The following is an entry in ClinVar:

ClinVar aggregate classification (germline): Uncertain significance (1 of 4 stars; one submission).

Submission:

Labcorp Genetics (formerly Invitae), Labcorp
Classification: Uncertain significance. Last evaluated: 2024-09-25. Review status: criteria provided, single submitter. Criteria: Invitae Variant Classification Sherloc (09022015). Collection method: clinical testing. Allele origin: germline.
Comment: This sequence change replaces glutamic acid, which is acidic and polar, with aspartic acid, which is acidic and polar, at codon 12 of the RPS20 protein (p.Glu12Asp). This variant is not present in population databases (gnomAD no frequency). This variant has not been reported in the literature in individuals affected with RPS20-related conditions. An algorithm developed to predict the effect of missense changes on protein structure and function (PolyPhen-2) suggests that this variant is likely to be tolerated. In summary, the available evidence is currently insufficient to determine the role of this variant in disease. Therefore, it has been classified as a Variant of Uncertain Significance.

NM_001023.4(RPS20):c.36G>T (p.Glu12Asp)

Gene: RPS20 (ribosomal protein S20; minus strand). Cytogenetic location: 8q12.1.
Variant type: single nucleotide variant.
Coding change: c.36G>T on transcript NM_001023.4 (MANE Select); coding-DNA position 36, G replaced by T.
Protein change: p.Glu12Asp; replaces glutamic acid 12 with aspartic acid.
Molecular consequence: missense variant.
Genome position (GRCh38, 1-based): chr8:56,074,127, C>A on the plus strand (G>T on the coding strand, the complement: RPS20 is on the minus strand). VCF-style: chr8-56074127-C-A. GRCh37 (hg19) VCF-style: chr8-56986686-C-A.
Other names: c.36G>T, p.Glu12Asp (NM_001146227.3); short protein forms E12D.
Identifiers: ClinVar variation 3721509 (VCV003721509.2).
Genomic context (GRCh38, chr8:56,074,127, plus strand): 5'-CAAGGATTTTACGTTGCGGCTTGTTAGGGTGATTCGAATTCGGTGAATTGCCACCTCCGG[C>A]TCCACGGGTGTTTTTCCGGTATCCTTAAAAGCCTATTATTAGATACATGAAAAAGAACAA-3'
Protein context (NP_001014.1, residues 2-22): AFKDTGKTPV[Glu12Asp]PEVAIHRIRI